The following is an entry in ClinVar:

NM_025219.3(DNAJC5):c.*1303C>T

Gene: DNAJC5 (DnaJ heat shock protein family (Hsp40) member C5; plus strand). Cytogenetic location: 20q13.33.
Variant type: single nucleotide variant.
Coding change: c.*1303C>T on transcript NM_025219.3 (MANE Select); 1303 bases downstream of the stop codon, C replaced by T.
Molecular consequence: 3 prime UTR variant.
Genome position (GRCh38, 1-based): chr20:63,932,871, C>T. VCF-style: chr20-63932871-C-T. GRCh37 (hg19) VCF-style: chr20-62564224-C-T.
Identifiers: ClinVar variation 339386 (VCV000339386.9), dbSNP rs41278214, ClinGen allele CA10653396.

ClinVar aggregate classification (germline): Benign/Likely benign. Review status: criteria provided, multiple submitters, no conflicts (2 of 4 stars). 3 submissions from 3 submitters: Benign (2); Likely benign (1). Last evaluated 2021-05-12.

Conditions:
Ceroid lipofuscinosis, neuronal, 4 (Kufs type) (CLN4). Also called: Neuronal ceroid lipofuscinosis 4B; Ceroid lipofuscinosis, neuronal, 4, Parry type. Identifiers: Orphanet 228343, Orphanet 79262, MedGen C1834207, MONDO:0008083, OMIM 162350.

Allele frequency attached by ClinVar (database versions not stated): 1000 Genomes Project 0.03694; 1000 Genomes Project 30x 0.03810; TOPMed 0.05279; gnomAD 0.06529 and 0.06711; gnomAD exomes 0.09346.
gnomAD v4.1: 9,936 of 152,452 alleles (6.5%); highest among the groups gnomAD compares: Non-Finnish European, 7.9%; 469 homozygotes.

Submissions (3):

GeneDx
Classification: Benign. Last evaluated: 2021-05-12. Review status: criteria provided, single submitter. Criteria: GeneDx Variant Classification Process June 2021. Collection method: clinical testing. Allele origin: germline. Affected: yes.

Illumina Laboratory Services, Illumina
Classification: Benign for Ceroid lipofuscinosis, neuronal, 4 (Kufs type). Last evaluated: 2018-01-12. Review status: criteria provided, single submitter. Criteria: ICSL Variant Classification Criteria 13 December 2019. Collection method: clinical testing. Allele origin: germline.
Comment: This variant was observed in the ICSL laboratory as part of a predisposition screen in an ostensibly healthy population. It had not been previously curated by ICSL or reported in the Human Gene Mutation Database (HGMD: prior to June 1st, 2018), and was therefore a candidate for classification through an automated scoring system. Utilizing variant allele frequency, disease prevalence and penetrance estimates, and inheritance mode, an automated score was calculated to assess if this variant is too frequent to cause the disease. Based on the score and internal cut-off values, a variant classified as benign is not then subjected to further curation. The score for this variant resulted in a classification of benign for this disease.

Breakthrough Genomics
Classification: Likely benign. Review status: criteria provided, single submitter. Criteria: ACMG Guidelines, 2015. Collection method: not provided. Allele origin: germline. Inheritance: Autosomal dominant inheritance. Affected: yes.